The following is an entry in ClinVar:

NM_001039775.4(CRYBG2):c.2201C>T (p.Thr734Met)

Gene: CRYBG2 (crystallin beta-gamma domain containing 2; minus strand). Cytogenetic location: 1p36.11.
Variant type: single nucleotide variant.
Coding change: c.2201C>T on transcript NM_001039775.4 (MANE Select); coding-DNA position 2201, C replaced by T.
Protein change: p.Thr734Met; replaces threonine 734 with methionine.
Molecular consequence: missense variant.
Genome position (GRCh38, 1-based): chr1:26,344,457, G>A on the plus strand (C>T on the coding strand, the complement: CRYBG2 is on the minus strand). VCF-style: chr1-26344457-G-A. GRCh37 (hg19) VCF-style: chr1-26670948-G-A.
Other names: c.2201C>T (NM_001039775.3); short protein forms T734M.
Identifiers: ClinVar variation 2638512 (VCV002638512.26), dbSNP rs199964823, ClinGen allele CA704146.
Genomic context (GRCh38, chr1:26,344,457, plus strand): 5'-TCCCTTGATGTCTCTGTGCACGTCTTGCCCTCGGTGGGATCAGAGACAAGCTGGGACTCC[G>A]TGCTGGCCTCTGCTCCTGTTGGCACTGGGGCAGGGGTGCCTCCTGGGCTGGGGGACACCC-3'
Protein context (NP_001034864.2, residues 724-744): APVPTGAEAS[Thr734Met]ESQLVSDPTE

ClinVar aggregate classification (germline): Conflicting classifications of pathogenicity. Review status: criteria provided, conflicting classifications (1 of 4 stars). 2 submissions from 2 submitters: Uncertain significance (1); Likely benign (1). Last evaluated 2025-08-06.

Allele frequency attached by ClinVar (database versions not stated): gnomAD 0.00127; TOPMed 0.00139; gnomAD exomes 0.00158; ExAC 0.00308.
gnomAD v4.1: 2,343 of 1,532,214 alleles (0.15%); highest among the groups gnomAD compares: Non-Finnish European, 0.18%; 7 homozygotes.

Submissions (2):

Ambry Genetics
Classification: Uncertain significance. Last evaluated: 2025-08-06. Review status: criteria provided, single submitter. Criteria: Ambry Variant Classification Scheme 2023. Collection method: clinical testing. Allele origin: germline.

CeGaT Center for Human Genetics Tuebingen
Classification: Likely benign. Last evaluated: 2022-10-01. Review status: criteria provided, single submitter. Criteria: CeGaT Center For Human Genetics Tuebingen Variant Classification Criteria Version 2. Collection method: clinical testing. Allele origin: germline. Affected: yes. Observed: 1 variant allele.
Comment: CRYBG2: BP4